The following is an entry in ClinVar:

NM_201384.3(PLEC):c.2742C>A (p.Phe914Leu)

Gene: PLEC (plectin; minus strand). Cytogenetic location: 8q24.3.
Variant type: single nucleotide variant.
Coding change: c.2742C>A on transcript NM_201384.3 (MANE Select); coding-DNA position 2742, C replaced by A.
Protein change: p.Phe914Leu; replaces phenylalanine 914 with leucine.
Molecular consequence: missense variant.
Genome position (GRCh38, 1-based): chr8:143,929,827, G>T on the plus strand (C>A on the coding strand, the complement: PLEC is on the minus strand). VCF-style: chr8-143929827-G-T. GRCh37 (hg19) VCF-style: chr8-145003995-G-T.
Other names: c.2823C>A, p.Phe941Leu (NM_000445.5); c.2700C>A, p.Phe900Leu (NM_201378.4); c.2676C>A, p.Phe892Leu (NM_201379.3); c.3153C>A, p.Phe1051Leu (NM_201380.4); c.2646C>A, p.Phe882Leu (NM_201381.3); c.2742C>A, p.Phe914Leu (NM_201382.4); c.2754C>A, p.Phe918Leu (NM_201383.3); c.2823C>A (NM_000445.4); short protein forms F1051L, F882L, F892L, F914L, F941L, F900L, F918L.
Identifiers: ClinVar variation 1448040 (VCV001448040.10), dbSNP rs1826574724, ClinGen allele CA372572719.

ClinVar aggregate classification (germline): Uncertain significance. Review status: criteria provided, multiple submitters, no conflicts (2 of 4 stars). 3 submissions from 3 submitters: Uncertain significance (3). Last evaluated 2025-10-02.

Conditions:
Autosomal recessive limb-girdle muscular dystrophy type 2Q (LGMDR17). Also called: MUSCULAR DYSTROPHY, LIMB-GIRDLE, AUTOSOMAL RECESSIVE 17. Identifiers: Orphanet 254361, MedGen C3150989, MONDO:0013390, OMIM 613723.
Epidermolysis bullosa simplex, Ogna type (EBS5A). Also called: Pidermolysis bullosa simplex 5A, Ogna type; EPIDERMOLYSIS BULLOSA SIMPLEX 5A, OGNA TYPE. Identifiers: Orphanet 79401, MedGen C0432317, MONDO:0007555, OMIM 131950.
Epidermolysis bullosa simplex 5B, with muscular dystrophy (EBS5B). Also called: EPIDERMOLYSIS BULLOSA SIMPLEX AND LIMB-GIRDLE MUSCULAR DYSTROPHY; Epidermolysis bullosa simplex with muscular dystrophy. Identifiers: Orphanet 257, MedGen C2931072, MONDO:0009181, OMIM 226670.
Epidermolysis bullosa simplex 5C, with pyloric atresia (EBS5C). Also called: PLEC-Related Epidermolysis Bullosa with Pyloric Atresia; Epidermolysis bullosa simplex with pyloric atresia; PLEC1-Related Epidermolysis Bullosa with Pyloric Atresia. Identifiers: Orphanet 158684, MedGen C2677349, MONDO:0012807, OMIM 612138.
Epidermolysis bullosa simplex with nail dystrophy (EBS5D). Identifiers: MedGen C4225309, MONDO:0014661, OMIM 616487.
PLEC-related disorder. Also called: PLEC-related disorders; PLEC-related condition.
Junctional epidermolysis bullosa with pyloric atresia. Also called: APLASIA CUTIS CONGENITA WITH GASTROINTESTINAL ATRESIA; CARMI SYNDROME; EB-PA-ACC; ITGB4-Related Epidermolysis Bullosa with Pyloric Atresia; EPIDERMOLYSIS BULLOSA, JUNCTIONAL 5B, WITH PYLORIC ATRESIA; Epidermolysis bullosa, junctional, with pyloric atresia and aplasia cutis congenita. Identifiers: Orphanet 79403, MedGen C5676875, MONDO:0009183, OMIM 226730.

Allele frequency attached by ClinVar (database versions not stated): gnomAD 0.00001.
gnomAD v4.1: 6 of 1,599,470 alleles (0.00038%); highest among the groups gnomAD compares: East Asian, 0.0022%; no homozygotes.

Submissions (3):

Labcorp Genetics (formerly Invitae), Labcorp
Classification: Uncertain significance for Autosomal recessive limb-girdle muscular dystrophy type 2Q; Epidermolysis bullosa simplex, Ogna type; Epidermolysis bullosa simplex with nail dystrophy; Epidermolysis bullosa simplex 5C, with pyloric atresia; Epidermolysis bullosa simplex 5B, with muscular dystrophy. Last evaluated: 2025-10-02. Review status: criteria provided, single submitter. Criteria: Invitae Variant Classification Sherloc (09022015). Collection method: clinical testing. Allele origin: germline.
Comment: This sequence change replaces phenylalanine, which is neutral and non-polar, with leucine, which is neutral and non-polar, at codon 941 of the PLEC protein (p.Phe941Leu). This variant is not present in population databases (gnomAD no frequency). This variant has not been reported in the literature in individuals affected with PLEC-related conditions. ClinVar contains an entry for this variant (Variation ID: 1448040). Experimental studies and prediction algorithms are not available or were not evaluated, and the functional significance of this variant is currently unknown. In summary, the available evidence is currently insufficient to determine the role of this variant in disease. Therefore, it has been classified as a Variant of Uncertain Significance.

PreventionGenetics, part of Exact Sciences
Classification: Uncertain significance for PLEC-related condition. Last evaluated: 2025-03-12. Review status: criteria provided, single submitter. Criteria: ACMG Guidelines, 2015. Collection method: clinical testing. Allele origin: germline.
Comment: The PLEC c.2823C>A variant is predicted to result in the amino acid substitution p.Phe941Leu. To our knowledge, this variant has not been reported in the literature or in a large population database (gnomAD), indicating this variant is rare. At this time, the clinical significance of this variant is uncertain due to the absence of conclusive functional and genetic evidence.

Fulgent Genetics
Classification: Uncertain significance for Epidermolysis bullosa simplex, Ogna type; Epidermolysis bullosa simplex 5B, with muscular dystrophy; Junctional epidermolysis bullosa with pyloric atresia; Epidermolysis bullosa simplex 5C, with pyloric atresia; Autosomal recessive limb-girdle muscular dystrophy type 2Q; Epidermolysis bullosa simplex with nail dystrophy. Last evaluated: 2022-01-21. Review status: criteria provided, single submitter. Criteria: ACMG Guidelines, 2015. Collection method: clinical testing. Allele origin: unknown.